The following is an entry in ClinVar:

ClinVar aggregate classification (germline): Benign/Likely benign. Review status: criteria provided, multiple submitters, no conflicts (2 of 4 stars). 3 submissions from 3 submitters: Benign (1); Likely benign (2). Last evaluated 2025-01-03.

Conditions:
Hereditary cancer-predisposing syndrome. Also called: Tumor predisposition; Neoplastic Syndromes, Hereditary; Hereditary Cancer Syndrome; Hereditary neoplastic syndrome. Identifiers: Orphanet 140162, MedGen C0027672, MeSH D009386, MONDO:0015356.
Hereditary nonpolyposis colorectal neoplasms. Identifiers: MedGen C0009405, MeSH D003123.
Lynch syndrome 5 (LYNCH5). Also called: Colorectal cancer, hereditary nonpolyposis, type 5; Hereditary non-polyposis colorectal cancer, type 5. Identifiers: Orphanet 144, MedGen C1833477, MONDO:0013710, OMIM 614350. Disease mechanism: loss of function.

Submissions (3):

Myriad Genetics, Inc.
Classification: Benign for Lynch syndrome 5. Last evaluated: 2025-01-03. Review status: criteria provided, single submitter. Criteria: Myriad Autosomal Dominant, Autosomal Recessive and X-Linked Classification Criteria (2023). Collection method: clinical testing. Allele origin: unknown.
Comment: This variant is considered benign. This variant is a silent/synonymous amino acid change and it is not expected to impact splicing.

Labcorp Genetics (formerly Invitae), Labcorp
Classification: Likely benign for Hereditary nonpolyposis colorectal neoplasms. Last evaluated: 2023-09-09. Review status: criteria provided, single submitter. Criteria: Invitae Variant Classification Sherloc (09022015). Collection method: clinical testing. Allele origin: germline.

Ambry Genetics
Classification: Likely benign for Hereditary cancer-predisposing syndrome. Last evaluated: 2019-01-08. Review status: criteria provided, single submitter. Criteria: Ambry Variant Classification Scheme 2023. Collection method: clinical testing. Allele origin: germline.

NM_000179.3(MSH6):c.3090G>A (p.Lys1030=)

Gene: MSH6 (mutS homolog 6; plus strand). Cytogenetic location: 2p16.3.
Variant type: single nucleotide variant.
Coding change: c.3090G>A on transcript NM_000179.3 (MANE Select); coding-DNA position 3090, G replaced by A.
Protein change: p.Lys1030=; no amino-acid change (lysine 1030 retained).
Molecular consequence: synonymous variant. On other transcripts: non-coding transcript variant (5), intron variant (2).
Genome position (GRCh38, 1-based): chr2:47,801,073, G>A. VCF-style: chr2-47801073-G-A. GRCh37 (hg19) VCF-style: chr2-48028212-G-A.
Other names: c.2700G>A, p.Lys900= (NM_001281492.2); c.2184G>A, p.Lys728= (NM_001281493.2, NM_001281494.2, NM_001406811.1 and 6 more transcripts); c.3186G>A, p.Lys1062= (NM_001406795.1, NM_001406802.1); c.3090G>A, p.Lys1030= (NM_001406796.1, NM_001406798.1, NM_001406800.1 and 2 more transcripts); c.2793G>A, p.Lys931= (NM_001406797.1, NM_001406801.1, NM_001406805.1 and 10 more transcripts); c.2565G>A, p.Lys855= (NM_001406799.1, NM_001406806.1, NM_001406807.1); c.3012G>A, p.Lys1004= (NM_001406804.1); c.3096G>A, p.Lys1032= (NM_001406813.1); and 4 more.
Identifiers: ClinVar variation 1727464 (VCV001727464.6), dbSNP rs2530712900, ClinGen allele CA426121838.
Genomic context (GRCh38, chr2:47,801,073, plus strand): 5'-TATTGAAAAGAAGTTGGCTAATCTCATAAATGCTGAAGAACGGAGGGATGTATCATTGAA[G>A]GACTGCATGCGGCGACTGTTCTATAACTTTGATAAAAATTACAAGGACTGGCAGTCTGCT-3'
Protein context (NP_000170.1, residues 1020-1040): NAEERRDVSL[Lys1030=]DCMRRLFYNF